The following is an entry in ClinVar:

NM_001099274.3(TINF2):c.493C>T (p.Pro165Ser)

Gene: TINF2 (TERF1 interacting nuclear factor 2; minus strand). Cytogenetic location: 14q12.
Variant type: single nucleotide variant.
Coding change: c.493C>T on transcript NM_001099274.3 (MANE Select); coding-DNA position 493, C replaced by T.
Protein change: p.Pro165Ser; replaces proline 165 with serine.
Molecular consequence: missense variant.
Genome position (GRCh38, 1-based): chr14:24,241,218, G>A on the plus strand (C>T on the coding strand, the complement: TINF2 is on the minus strand). VCF-style: chr14-24241218-G-A. GRCh37 (hg19) VCF-style: chr14-24710424-G-A.
Other names: c.388C>T, p.Pro130Ser (NM_001363668.2); c.493C>T, p.Pro165Ser (NM_012461.3); short protein forms P130S, P165S.
Identifiers: ClinVar variation 1429832 (VCV001429832.8), dbSNP rs2139000919, ClinGen allele CA389231401.

ClinVar aggregate classification (germline): Uncertain significance (1 of 4 stars; one submission).

Conditions:
Dyskeratosis congenita. Identifiers: Orphanet 1775, MedGen C0265965, MONDO:0015780.

Allele frequency attached by ClinVar (database versions not stated): gnomAD exomes below 0.00001.
gnomAD v4.1: 1 of 1,614,166 alleles (0.000062%); highest among the groups gnomAD compares: East Asian, 0.0022%; no homozygotes.

Submission:

Labcorp Genetics (formerly Invitae), Labcorp
Classification: Uncertain significance for Dyskeratosis congenita. Last evaluated: 2023-07-17. Review status: criteria provided, single submitter. Criteria: Invitae Variant Classification Sherloc (09022015). Collection method: clinical testing. Allele origin: germline.
Comment: In summary, the available evidence is currently insufficient to determine the role of this variant in disease. Therefore, it has been classified as a Variant of Uncertain Significance. An algorithm developed to predict the effect of missense changes on protein structure and function (PolyPhen-2) suggests that this variant is likely to be tolerated. ClinVar contains an entry for this variant (Variation ID: 1429832). This variant has not been reported in the literature in individuals affected with TINF2-related conditions. This variant is not present in population databases (gnomAD no frequency). This sequence change replaces proline, which is neutral and non-polar, with serine, which is neutral and polar, at codon 165 of the TINF2 protein (p.Pro165Ser).